The following is an entry in ClinVar:

ClinVar aggregate classification (germline): Uncertain significance. Review status: criteria provided, multiple submitters, no conflicts (2 of 4 stars). 4 submissions from 4 submitters: Uncertain significance (4). Last evaluated 2025-12-31.

Conditions:
Malignant hyperthermia, susceptibility to, 5 (MHS5). Also called: CACNA1S-Related Malignant Hyperthermia Susceptibility. Identifiers: Orphanet 423, MedGen C1866077, MONDO:0011163, OMIM 601887.
CACNA1S-related disorder. Also called: CACNA1S-related condition.
Inborn genetic diseases. Identifiers: MedGen C0950123, MeSH D030342.

Allele frequency attached by ClinVar (database versions not stated): gnomAD exomes 0.00001.
gnomAD v4.1: 14 of 1,613,996 alleles (0.00087%); highest among the groups gnomAD compares: Non-Finnish European, 0.0012%; no homozygotes.

Submissions (4):

PreventionGenetics, part of Exact Sciences
Classification: Uncertain significance for CACNA1S-related condition. Last evaluated: 2025-12-31. Review status: criteria provided, single submitter. Criteria: ACMG Guidelines, 2015. Collection method: clinical testing. Allele origin: germline.
Comment: The CACNA1S c.3923C>T variant is predicted to result in the amino acid substitution p.Thr1308Ile. To our knowledge, this variant has not been reported in the literature. This variant is reported in 0.0018% of alleles in individuals of European (non-Finnish) descent in gnomAD. At this time, the clinical significance of this variant is uncertain due to the absence of conclusive functional and genetic evidence.

Color Diagnostics, LLC DBA Color Health
Classification: Uncertain significance for Malignant hyperthermia, susceptibility to, 5. Last evaluated: 2025-06-04. Review status: criteria provided, single submitter. Criteria: ACMG Guidelines, 2015. Collection method: clinical testing. Allele origin: germline.
Comment: This missense variant replaces threonine with isoleucine at codon 1308 of the CACNA1S protein. Computational prediction suggests that this variant may have deleterious impact on protein structure and function. To our knowledge, functional studies have not been reported for this variant. This variant has not been reported in individuals affected with CACNA1S-related disorders in the literature. This variant has been identified in 2/251492 chromosomes in the general population by the Genome Aggregation Database (gnomAD). The available evidence is insufficient to determine the role of this variant in disease conclusively. Therefore, this variant is classified as a Variant of Uncertain Significance.

Ambry Genetics
Classification: Uncertain significance for Inborn genetic diseases. Last evaluated: 2024-01-16. Review status: criteria provided, single submitter. Criteria: Ambry Variant Classification Scheme 2023. Collection method: clinical testing. Allele origin: germline.

All of Us Research Program, National Institutes of Health
Classification: Uncertain significance for Malignant hyperthermia, susceptibility to, 5. Last evaluated: 2023-04-03. Review status: criteria provided, single submitter. Criteria: ACMG Guidelines, 2015. Collection method: clinical testing. Allele origin: germline. Inheritance: Autosomal dominant inheritance. Observed: 1 variant allele, 1 heterozygote.
Comment: This missense variant replaces threonine with isoleucine at codon 1308 of the CACNA1S protein. Computational prediction suggests that this variant may have deleterious impact on protein structure and function (internally defined REVEL score threshold >= 0.7, PMID: 27666373). To our knowledge, functional studies have not been reported for this variant. This variant has not been reported in individuals affected with CACNA1S-related disorders in the literature. This variant has been identified in 2/251492 chromosomes in the general population by the Genome Aggregation Database (gnomAD). The available evidence is insufficient to determine the role of this variant in disease conclusively. Therefore, this variant is classified as a Variant of Uncertain Significance.

This study involves interpretation of variants in research participants for the purpose of population health screening. Participant phenotype was not available at the time of variant classification. Additional details can be found in publication PMID: 35346344, PMCID: PMC8962531

NM_000069.3(CACNA1S):c.3923C>T (p.Thr1308Ile)

Gene: CACNA1S (calcium voltage-gated channel subunit alpha1 S; minus strand). Cytogenetic location: 1q32.1.
Variant type: single nucleotide variant.
Coding change: c.3923C>T on transcript NM_000069.3 (MANE Select); coding-DNA position 3923, C replaced by T.
Protein change: p.Thr1308Ile; replaces threonine 1308 with isoleucine.
Molecular consequence: missense variant.
Genome position (GRCh38, 1-based): chr1:201,052,587, G>A on the plus strand (C>T on the coding strand, the complement: CACNA1S is on the minus strand). VCF-style: chr1-201052587-G-A. GRCh37 (hg19) VCF-style: chr1-201021715-G-A.
Other names: c.3923C>T (NM_000069.2); short protein forms T1308I.
Identifiers: ClinVar variation 3070154 (VCV003070154.4), dbSNP rs1190480438, ClinGen allele CA344152319.
Genomic context (GRCh38, chr1:201,052,587, plus strand): 5'-GTAGGGGTGGGGGTGGCGGGAGACGCGTGCCTGAAGAGCAGTAGCACAGCTTGTGGGAAG[G>A]TCTGGAAGTTGTTGTTCCGGTTTATTTGGGTCCCATCCACCAAGGCGATCTTCCCAAACA-3'
Protein context (NP_000060.2, residues 1298-1318): TQINRNNNFQ[Thr1308Ile]FPQAVLLLFR